The following is an entry in ClinVar:

ClinVar aggregate classification (germline): Uncertain significance (0 of 4 stars; one submission).

Conditions:
Breast ductal adenocarcinoma. Also called: Ductal breast carcinoma; Breast cancer, invasive ductal. Identifiers: MedGen C1527349, MONDO:0005590.

Submission:

Next Generation Diagnostics, Novartis Institutes for BioMedical Research, Inc.
Classification: Uncertain significance for Breast ductal adenocarcinoma. Last evaluated: 2015-07-20. Review status: no assertion criteria provided. Collection method: research. Allele origin: somatic. Affected: yes.
Comment: Loss of heterozygosity

Single allele

Genes: CCHCR1 (coiled-coil alpha-helical rod protein 1; minus strand), CDSN (corneodesmosin; minus strand), HLA-B (major histocompatibility complex, class I, B; minus strand), HLA-C (major histocompatibility complex, class I, C; minus strand), POU5F1 (POU class 5 homeobox 1; minus strand) and 3 more. Cytogenetic location: 6p21.33.
Variant type: Complex.
Identifiers: ClinVar variation 221339 (VCV000221339.2).